The following is an entry in ClinVar:

ClinVar aggregate classification (germline): Uncertain significance. Review status: criteria provided, multiple submitters, no conflicts (2 of 4 stars). 3 submissions from 3 submitters: Uncertain significance (3). Last evaluated 2026-04-21.

Conditions:
Hereditary cancer-predisposing syndrome. Also called: Tumor predisposition; Hereditary neoplastic syndrome; Neoplastic Syndromes, Hereditary; Hereditary Cancer Syndrome. Identifiers: Orphanet 140162, MedGen C0027672, MeSH D009386, MONDO:0015356.
MET-related disorder. Also called: MET-related condition.
Renal cell carcinoma. Identifiers: Orphanet 217071, MedGen C0007134, MeSH D002292, MONDO:0005086, HP:0005584.

gnomAD v4.1: 5 of 1,614,038 alleles (0.00031%); highest among the groups gnomAD compares: East Asian, 0.0045%; no homozygotes.

Submissions (3):

PreventionGenetics, part of Exact Sciences
Classification: Uncertain significance for MET-related condition. Last evaluated: 2026-04-21. Review status: criteria provided, single submitter. Criteria: ACMG Guidelines, 2015. Collection method: clinical testing. Allele origin: germline.
Comment: The MET c.949C>T variant is predicted to result in the amino acid substitution p.Leu317Phe. To our knowledge, this variant has not been reported in the literature or in a large population database (gnomAD), indicating this variant is rare. This variant is interpreted as uncertain in ClinVar (Variation ID: 1041619). At this time, the clinical significance of this variant is uncertain due to the absence of conclusive functional and genetic evidence.

Labcorp Genetics (formerly Invitae), Labcorp
Classification: Uncertain significance for Renal cell carcinoma. Last evaluated: 2025-12-17. Review status: criteria provided, single submitter. Criteria: Invitae Variant Classification Sherloc (09022015). Collection method: clinical testing. Allele origin: germline.
Comment: This sequence change replaces leucine, which is neutral and non-polar, with phenylalanine, which is neutral and non-polar, at codon 317 of the MET protein (p.Leu317Phe). This variant is not present in population databases (gnomAD no frequency). This variant has not been reported in the literature in individuals affected with MET-related conditions. ClinVar contains an entry for this variant (Variation ID: 1041619). Invitae Evidence Modeling of protein sequence and biophysical properties (such as structural, functional, and spatial information, amino acid conservation, physicochemical variation, residue mobility, and thermodynamic stability) indicates that this missense variant is expected to disrupt MET protein function with a positive predictive value of 80%. In summary, the available evidence is currently insufficient to determine the role of this variant in disease. Therefore, it has been classified as a Variant of Uncertain Significance.

Ambry Genetics
Classification: Uncertain significance for Hereditary cancer-predisposing syndrome. Last evaluated: 2023-04-14. Review status: criteria provided, single submitter. Criteria: Ambry Variant Classification Scheme 2023. Collection method: clinical testing. Allele origin: germline.
Comment: The p.L317F variant (also known as c.949C>T), located in coding exon 1 of the MET gene, results from a C to T substitution at nucleotide position 949. The leucine at codon 317 is replaced by phenylalanine, an amino acid with highly similar properties. This amino acid position is highly conserved in available vertebrate species. In addition, the in silico prediction for this alteration is inconclusive. Since supporting evidence is limited at this time, the clinical significance of this alteration remains unclear.

NM_000245.4(MET):c.949C>T (p.Leu317Phe)

Gene: MET (MET proto-oncogene, receptor tyrosine kinase; plus strand). Cytogenetic location: 7q31.2.
Variant type: single nucleotide variant.
Coding change: c.949C>T on transcript NM_000245.4 (MANE Select); coding-DNA position 949, C replaced by T.
Protein change: p.Leu317Phe; replaces leucine 317 with phenylalanine.
Molecular consequence: missense variant. On other transcripts: intron variant (1).
Genome position (GRCh38, 1-based): chr7:116,700,033, C>T. VCF-style: chr7-116700033-C-T. GRCh37 (hg19) VCF-style: chr7-116340087-C-T.
Other names: c.949C>T (NM_001127500.1, NM_001127500.2); c.949C>T, p.Leu317Phe (NM_001127500.3, NM_001324401.3); c.-91+27456C>T (NM_001324402.2); short protein forms L317F.
Identifiers: ClinVar variation 1041619 (VCV001041619.13), dbSNP rs750531377, ClinGen allele CA368970216.